The following is an entry in ClinVar:

NM_020338.4(ZMIZ1):c.2160G>A (p.Ser720=)

Gene: ZMIZ1 (zinc finger MIZ-type containing 1; plus strand). Cytogenetic location: 10q22.3.
Variant type: single nucleotide variant.
Coding change: c.2160G>A on transcript NM_020338.4 (MANE Select); coding-DNA position 2160, G replaced by A.
Protein change: p.Ser720=; no amino-acid change (serine 720 retained).
Molecular consequence: synonymous variant.
Genome position (GRCh38, 1-based): chr10:79,304,049, G>A. VCF-style: chr10-79304049-G-A. GRCh37 (hg19) VCF-style: chr10-81063806-G-A.
Identifiers: ClinVar variation 2740686 (VCV002740686.3), dbSNP rs147064960, ClinGen allele CA5572930.
Genomic context (GRCh38, chr10:79,304,049, plus strand): 5'-ACCTGTCTGTGCCTCCTGCCCCGCAGTCAAGCGGAATTTCAGCAGCGTGGCTGCCTCCTC[G>A]GGCAACACGACCCTCAACGGGGAGGATGGGGTGGAGCAGACGGCCATCAAGGTGTCTCTG-3'
Protein context (NP_065071.1, residues 710-730): KRNFSSVAAS[Ser720=]GNTTLNGEDG

ClinVar aggregate classification (germline): Uncertain significance (1 of 4 stars; one submission).

Allele frequency attached by ClinVar (database versions not stated): ESP Exome Variant Server 0.00008.
gnomAD v4.1: 61 of 1,614,022 alleles (0.0038%); highest among the groups gnomAD compares: Non-Finnish European, 0.0047%; no homozygotes.

Submission:

Labcorp Genetics (formerly Invitae), Labcorp
Classification: Uncertain significance. Last evaluated: 2023-06-15. Review status: criteria provided, single submitter. Criteria: Invitae Variant Classification Sherloc (09022015). Collection method: clinical testing. Allele origin: germline.
Comment: In summary, the available evidence is currently insufficient to determine the role of this variant in disease. Therefore, it has been classified as a Variant of Uncertain Significance. Algorithms developed to predict the effect of sequence changes on RNA splicing suggest that this variant may create or strengthen a splice site. This variant has not been reported in the literature in individuals affected with ZMIZ1-related conditions. This variant is present in population databases (rs147064960, gnomAD 0.008%). This sequence change affects codon 720 of the ZMIZ1 mRNA. It is a 'silent' change, meaning that it does not change the encoded amino acid sequence of the ZMIZ1 protein.